The following is an entry in ClinVar:

ClinVar aggregate classification (germline): Uncertain significance (1 of 4 stars; one submission).

Submission:

Labcorp Genetics (formerly Invitae), Labcorp
Classification: Uncertain significance. Last evaluated: 2025-09-22. Review status: criteria provided, single submitter. Criteria: Invitae Variant Classification Sherloc (09022015). Collection method: clinical testing. Allele origin: germline.
Comment: This sequence change replaces leucine, which is neutral and non-polar, with arginine, which is basic and polar, at codon 368 of the MSH3 protein (p.Leu368Arg). This variant is not present in population databases (gnomAD no frequency). This variant has not been reported in the literature in individuals affected with MSH3-related conditions. ClinVar contains an entry for this variant (Variation ID: 2764153). An algorithm developed to predict the effect of missense changes on protein structure and function (PolyPhen-2) suggests that this variant is likely to be disruptive. Algorithms developed to predict the effect of sequence changes on RNA splicing suggest that this variant may create or strengthen a splice site. In summary, the available evidence is currently insufficient to determine the role of this variant in disease. Therefore, it has been classified as a Variant of Uncertain Significance.

NM_002439.5(MSH3):c.1103T>G (p.Leu368Arg)

Gene: MSH3 (mutS homolog 3; plus strand). Cytogenetic location: 5q14.1.
Variant type: single nucleotide variant.
Coding change: c.1103T>G on transcript NM_002439.5 (MANE Select); coding-DNA position 1103, T replaced by G.
Protein change: p.Leu368Arg; replaces leucine 368 with arginine.
Molecular consequence: missense variant.
Genome position (GRCh38, 1-based): chr5:80,675,058, T>G. VCF-style: chr5-80675058-T-G. GRCh37 (hg19) VCF-style: chr5-79970877-T-G.
Other names: short protein forms L368R.
Identifiers: ClinVar variation 2764153 (VCV002764153.3), dbSNP rs2546724296, ClinGen allele CA360268105.
Genomic context (GRCh38, chr5:80,675,058, plus strand): 5'-TCAAGCTGGATGATGCTGTAAATGTTGATGAGATAATGACTGATACTTCTACCAGCTATC[T>G]TCTGTGCATCTCTGAAAATAAGGAAAATGTTAGGGACAAAAAAAAGGGCAACATTTTTAT-3'
Protein context (NP_002430.3, residues 358-378): EIMTDTSTSY[Leu368Arg]LCISENKENV